The following is an entry in ClinVar:

NM_001349206.2(LPIN1):c.2282G>A (p.Arg761His)

Gene: LPIN1 (lipin 1; plus strand). Cytogenetic location: 2p25.1.
Variant type: single nucleotide variant.
Coding change: c.2282G>A on transcript NM_001349206.2 (MANE Select); coding-DNA position 2282, G replaced by A.
Protein change: p.Arg761His; replaces arginine 761 with histidine.
Molecular consequence: missense variant. On other transcripts: non-coding transcript variant (1).
Genome position (GRCh38, 1-based): chr2:11,815,120, G>A. VCF-style: chr2-11815120-G-A. GRCh37 (hg19) VCF-style: chr2-11955246-G-A.
Other names: c.2192G>A, p.Arg731His (NM_001261427.3); c.2429G>A, p.Arg810His (NM_001261428.3); c.2174G>A, p.Arg725His (NM_001349199.2, NM_145693.4); c.2252G>A, p.Arg751His (NM_001349200.2, NM_001349201.2); c.2279G>A, p.Arg760His (NM_001349202.2, NM_001349203.2); c.2282G>A, p.Arg761His (NM_001349204.2, NM_001349205.2); c.2372G>A, p.Arg791His (NM_001349207.2); c.2321G>A, p.Arg774His (NM_001349208.2); short protein forms R725H, R760H, R810H, R731H, R761H, R791H, R751H, R774H.
Identifiers: ClinVar variation 96496 (VCV000096496.16), dbSNP rs398124543, ClinGen allele CA224182.

ClinVar aggregate classification (germline): Conflicting classifications of pathogenicity. Review status: criteria provided, conflicting classifications (1 of 4 stars). 7 submissions from 7 submitters: Pathogenic (3); Likely pathogenic (3); Uncertain significance (1). Last evaluated 2026-05-29.

Conditions:
Acute rhabdomyolysis. Identifiers: MedGen C3807306, HP:0008942.
Myoglobinuria, acute recurrent, autosomal recessive. Also called: MYOGLOBINURIA, FAMILIAL PAROXYSMAL PARALYTIC; RHABDOMYOLYSIS, ACUTE RECURRENT; Myoglobinuria, recurrent, autosomal recessive. Identifiers: Orphanet 99845, MedGen C1849386, MONDO:0009992, OMIM 268200.

Allele frequency attached by ClinVar (database versions not stated): gnomAD exomes 0.00002 and 0.00003; gnomAD 0.00004; ExAC 0.00002; TOPMed 0.00003.
gnomAD v4.1: 55 of 1,613,972 alleles (0.0034%); highest among the groups gnomAD compares: Non-Finnish European, 0.0042%; no homozygotes.

Submissions (7):

Women's Health and Genetics/Laboratory Corporation of America, LabCorp
Classification: Pathogenic for Myoglobinuria, acute recurrent, autosomal recessive. Last evaluated: 2026-05-29. Review status: criteria provided, single submitter. Criteria: LabCorp Variant Classification Summary - May 2015. Collection method: clinical testing. Allele origin: germline.
Comment: Variant summary: LPIN1 c.2174G>A (p.Arg725His) results in a non-conservative amino acid change in the encoded protein sequence. Algorithms developed to predict the effect of missense changes on protein structure and function all suggest that this variant is likely to be disruptive. The variant allele was found at a frequency of 2e-05 in 251460 control chromosomes. c.2174G>A has been observed in multiple homozygous and compound heterozygous individuals affected with Myoglobinuria, Acute Recurrent, Autosomal Recessive (e.g. Jaradat_2015, Michot_2012). These data indicate that the variant is very likely to be associated with disease. The following publications have been ascertained in the context of this evaluation (PMID: 26909335, 22481384). ClinVar contains an entry for this variant (Variation ID: 96496). Based on the evidence outlined above, the variant was classified as pathogenic.

Labcorp Genetics (formerly Invitae), Labcorp
Classification: Pathogenic. Last evaluated: 2025-12-29. Review status: criteria provided, single submitter. Criteria: Invitae Variant Classification Sherloc (09022015). Collection method: clinical testing. Allele origin: germline.
Comment: This sequence change replaces arginine, which is basic and polar, with histidine, which is basic and polar, at codon 725 of the LPIN1 protein (p.Arg725His). The frequency data for this variant in the population databases is considered unreliable, as metrics indicate poor data quality at this position in the gnomAD database. This missense change has been observed in individuals with autosomal recessive acute recurrent myoglobinuria (PMID: 22481384, 26909335). It has also been observed to segregate with disease in related individuals. ClinVar contains an entry for this variant (Variation ID: 96496). Invitae Evidence Modeling of protein sequence and biophysical properties (such as structural, functional, and spatial information, amino acid conservation, physicochemical variation, residue mobility, and thermodynamic stability) indicates that this missense variant is expected to disrupt LPIN1 protein function with a positive predictive value of 80%. Experimental studies have shown that this missense change affects LPIN1 function (PMID: 25967228). For these reasons, this variant has been classified as Pathogenic.

NHS Central & South Genomic Laboratory Hub
Classification: Likely pathogenic for Acute Rhabdomyolysis. Last evaluated: 2025-10-21. Review status: criteria provided, single submitter. Criteria: ACMG Guidelines, 2015. Collection method: clinical testing. Allele origin: germline. Affected: yes.

Genomic Medicine Center of Excellence, King Faisal Specialist Hospital and Research Centre
Classification: Likely pathogenic for Myoglobinuria, acute recurrent, autosomal recessive. Last evaluated: 2024-03-25. Review status: criteria provided, single submitter. Criteria: ACMG Guidelines, 2015. Collection method: clinical testing. Allele origin: germline.

Fulgent Genetics
Classification: Likely pathogenic for Myoglobinuria, acute recurrent, autosomal recessive. Last evaluated: 2024-03-14. Review status: criteria provided, single submitter. Criteria: ACMG Guidelines, 2015. Collection method: clinical testing. Allele origin: germline.

ARUP Laboratories, Molecular Genetics and Genomics, ARUP Laboratories
Classification: Pathogenic for Myoglobinuria, acute recurrent, autosomal recessive. Last evaluated: 2023-08-11. Review status: criteria provided, single submitter. Criteria: ARUP Molecular Germline Variant Investigation Process 2024. Collection method: clinical testing. Allele origin: germline.
Comment: The LPIN1 c.2174G>A; p.Arg725His variant (rs398124543) is reported in the literature in several homozygous or compound heterozygous individuals affected with LPIN1-associated rhabdomyolysis, including segregating with disease in four siblings in one family (Jaradat 2015, Kanderi 2022, Michot 2012). This variant is found in the general population with an overall allele frequency of 0.002% (6/282,844 alleles) in the Genome Aggregation Database. Computational analyses predict that this variant is deleterious (REVEL: 0.89). Consistent with these predictions, functional analysis of the variant protein suggest significantly reduced enzymatic activity relative to the wildtype protein (Schweitzer 2015). Based on available information, this variant is considered to be pathogenic. References: Jaradat SA et al. Molecular analysis of LPIN1 in Jordanian patients with rhabdomyolysis. Meta Gene. 2015 Dec 22;7:90-4. PMID: 26909335. Kanderi N et al. LPIN1 rhabdomyolysis: A single site cohort description and treatment recommendations. Mol Genet Metab Rep. 2022 Feb 5;30:100844. PMID: 35242575. Michot et al. Study of LPIN1, LPIN2 and LPIN3 in rhabdomyolysis and exercise-induced myalgia. J Inherit Metab Dis. 2012 Nov;35(6):1119-28. PMID: 22481384. Schweitzer GG et al. Rhabdomyolysis-Associated Mutations in Human LPIN1 Lead to Loss of Phosphatidic Acid Phosphohydrolase Activity. JIMD Rep. 2015;23:113-22. PMID: 25967228.

Eurofins Ntd Llc (ga)
Classification: Uncertain significance. Last evaluated: 2012-11-19. Review status: criteria provided, single submitter. Criteria: EGL Classification Definitions 2015. Collection method: clinical testing. Allele origin: germline. Observed: 1 variant allele, 1 heterozygote.

Literature cited by the submitters: PubMed 26909335 (cited by Women's Health and Genetics/Laboratory Corporation of America, LabCorp and Labcorp Genetics (formerly Invitae), Labcorp); PubMed 22481384 (cited by Women's Health and Genetics/Laboratory Corporation of America, LabCorp and Labcorp Genetics (formerly Invitae), Labcorp); PubMed 25967228 (cited by Labcorp Genetics (formerly Invitae), Labcorp).